The following is an entry in ClinVar:

NM_201550.4(LRRC10):c.520C>G (p.Leu174Val)

Gene: LRRC10 (leucine rich repeat containing 10; minus strand). Cytogenetic location: 12q15.
Variant type: single nucleotide variant.
Coding change: c.520C>G on transcript NM_201550.4 (MANE Select); coding-DNA position 520, C replaced by G.
Protein change: p.Leu174Val; replaces leucine 174 with valine.
Molecular consequence: missense variant.
Genome position (GRCh38, 1-based): chr12:69,610,319, G>C on the plus strand (C>G on the coding strand, the complement: LRRC10 is on the minus strand). VCF-style: chr12-69610319-G-C. GRCh37 (hg19) VCF-style: chr12-70004099-G-C.
Other names: short protein forms L174V.
Identifiers: ClinVar variation 3023852 (VCV003023852.3), dbSNP rs960546666, ClinGen allele CA239126612.
Genomic context (GRCh38, chr12:69,610,319, plus strand): 5'-CCTCCAGGAAGGGCATGTGAAGCAGCACAGTGGGAAAGTCAGTTAGCCGGTTGCCCGAGA[G>C]CCAGATGGTCCTCAGCTCCTGGAGGCGCCGGAGCTGGCCTGGCAGCAAACGCAGGGCGTT-3'
Protein context (NP_963844.2, residues 164-184): RRLQELRTIW[Leu174Val]SGNRLTDFPT

ClinVar aggregate classification (germline): Uncertain significance (1 of 4 stars; one submission).

Submission:

Labcorp Genetics (formerly Invitae), Labcorp
Classification: Uncertain significance. Last evaluated: 2024-01-08. Review status: criteria provided, single submitter. Criteria: Invitae Variant Classification Sherloc (09022015). Collection method: clinical testing. Allele origin: germline.
Comment: This sequence change replaces leucine, which is neutral and non-polar, with valine, which is neutral and non-polar, at codon 174 of the LRRC10 protein (p.Leu174Val). This variant is present in population databases (no rsID available, gnomAD 0.0009%). This variant has not been reported in the literature in individuals affected with LRRC10-related conditions. An algorithm developed to predict the effect of missense changes on protein structure and function (PolyPhen-2) suggests that this variant is likely to be disruptive. In summary, the available evidence is currently insufficient to determine the role of this variant in disease. Therefore, it has been classified as a Variant of Uncertain Significance.